The following is an entry in ClinVar:

ClinVar aggregate classification (germline): Conflicting classifications of pathogenicity. Review status: criteria provided, conflicting classifications (1 of 4 stars). 7 submissions from 7 submitters: Uncertain significance (5); Likely benign (2). Last evaluated 2025-06-01.

Conditions:
FLNA-related disorder.
Melnick-Needles syndrome (MNS). Also called: MELNICK-NEEDLES OSTEODYSPLASTY; OSTEODYSPLASTY OF MELNICK AND NEEDLES; Melnick-Needles Syndrome (FLNA-MNS). Identifiers: Orphanet 2484, MedGen C0025237, MONDO:0010650, OMIM 309350.
Frontometaphyseal dysplasia (FMD1). Identifiers: Orphanet 1826, MedGen C0265293, MONDO:0015942.
Heterotopia, periventricular, X-linked dominant (PVNH1). Also called: X-linked periventricular heterotopia; PERIVENTRICULAR NODULAR HETEROTOPIA 1; PERIVENTRICULAR NODULAR HETEROTOPIA 4; HETEROTOPIA, PERIVENTRICULAR, 1. Identifiers: Orphanet 2149, Orphanet 82004, MedGen C1848213, MONDO:0010233, OMIM 300049.
Oto-palato-digital syndrome, type II (OPD2). Also called: FACIOPALATOOSSEOUS SYNDROME; Otopalatodigital Syndrome, Type II; OPD II SYNDROME; Otopalatodigital Syndrome Type 2 (FLNA-OPD2). Identifiers: Orphanet 669, Orphanet 90652, MedGen C1844696, MONDO:0010571, OMIM 304120.
Familial thoracic aortic aneurysm and aortic dissection (TAAD). Also called: Thoracic aortic aneurysms and dissections. Identifiers: Orphanet 91387, MedGen C4707243, MONDO:0019625.
FG syndrome 2 (FGS2). Identifiers: MedGen C1845902, MONDO:0010297, OMIM 300321.

Allele frequency attached by ClinVar (database versions not stated): ExAC 0.00001; gnomAD 0.00001; TOPMed 0.00001.
gnomAD v4.1: 21 of 1,210,271 alleles (0.0017%); highest among the groups gnomAD compares: African/African-American, 0.0052%; no homozygotes.

Submissions (7):

Labcorp Genetics (formerly Invitae), Labcorp
Classification: Likely benign for Oto-palato-digital syndrome, type II; Heterotopia, periventricular, X-linked dominant; Frontometaphyseal dysplasia; Melnick-Needles syndrome. Last evaluated: 2025-06-01. Review status: criteria provided, single submitter. Criteria: Invitae Variant Classification Sherloc (09022015). Collection method: clinical testing. Allele origin: germline.

Revvity Omics, Revvity
Classification: Uncertain significance. Last evaluated: 2024-05-06. Review status: criteria provided, single submitter. Criteria: ACMG Guidelines, 2015. Collection method: clinical testing. Allele origin: germline.

Blueprint Genetics
Classification: Likely benign. Last evaluated: 2023-11-15. Review status: criteria provided, single submitter. Criteria: ACMG Guidelines, 2015. Collection method: clinical testing. Allele origin: germline.

PreventionGenetics, part of Exact Sciences
Classification: Uncertain significance for FLNA-related condition. Last evaluated: 2023-01-23. Review status: criteria provided, single submitter. Criteria: ACMG Guidelines, 2015. Collection method: clinical testing. Allele origin: germline.
Comment: The FLNA c.5786C>T variant is predicted to result in the amino acid substitution p.Pro1929Leu. To our knowledge, this variant has not been reported in the literature. This variant is reported in 0.0073% of alleles in individuals of East Asian descent in gnomAD. At this time, the clinical significance of this variant is uncertain due to the absence of conclusive functional and genetic evidence.

Ambry Genetics
Classification: Uncertain significance for Familial thoracic aortic aneurysm and aortic dissection. Last evaluated: 2021-10-09. Review status: criteria provided, single submitter. Criteria: Ambry Variant Classification Scheme 2023. Collection method: clinical testing. Allele origin: germline.

GeneDx
Classification: Uncertain significance. Last evaluated: 2021-04-12. Review status: criteria provided, single submitter. Criteria: GeneDx Variant Classification Process June 2021. Collection method: clinical testing. Allele origin: germline. Affected: yes.
Comment: Has not been previously published as pathogenic or benign to our knowledge; In silico analysis supports that this missense variant has a deleterious effect on protein structure/function; Reported in ClinVar as a variant of uncertain significance (ClinVar Variant ID# 570943; Landrum et al., 2016)

Victorian Clinical Genetics Services, Murdoch Childrens Research Institute
Classification: Uncertain significance for FG syndrome 2. Last evaluated: 2020-05-21. Review status: criteria provided, single submitter. Criteria: ACMG Guidelines, 2015. Collection method: clinical testing. Allele origin: germline.
Comment: Based on the classification scheme VCGS_Germline_v1.1.1, this variant is classified as VUS – 3C. Following criteria are met: 0103 - Both loss- and gain-of-function are known mechanisms of disease for this gene. (N) 0108 - This gene is known to be associated with both recessive and dominant disease, where loss of function variants result in recessive disease and gain of function variants cause dominant disease (OMIM). (N) 0200 - Variant is predicted to result in a missense amino acid change from proline to leucine (exon 36). (N) 0253 - Variant is hemizygous. (N) 0302 - Variant is present in gnomAD <0.001 (2 heterozygotes,1 hemizgyote, 0 homozygotes). (P) 0309 - An alternative amino acid change at the same position has been observed in gnomAD (1 heterozygotes, 0 hemizygotes, 0 homozygotes). (N) 0501 - Missense variant consistently predicted to be damaging by multiple in silico tools or highly conserved with a major amino acid change. (P) 0600 - Variant is located in an annotated domain or motif, (Filamin repeat; PDB, NCBI). (N) 0705 - No comparable variants have previous evidence for pathogenicity. (N) 0804 - Variant has previously been described as variant of uncertain significance (ClinVar). (N) 0905 - No segregation evidence has been identified for this variant. (N) 1007 - No published functional evidence has been identified for this variant. (N) Legend: (P) - Pathogenic, (N) - Neutral, (B) - Benign

NM_001110556.2(FLNA):c.5786C>T (p.Pro1929Leu)

Gene: FLNA (filamin A; minus strand). Cytogenetic location: Xq28.
Variant type: single nucleotide variant.
Coding change: c.5786C>T on transcript NM_001110556.2 (MANE Select); coding-DNA position 5786, C replaced by T.
Protein change: p.Pro1929Leu; replaces proline 1929 with leucine.
Molecular consequence: missense variant.
Genome position (GRCh38, 1-based): chrX:154,353,628, G>A on the plus strand (C>T on the coding strand, the complement: FLNA is on the minus strand). VCF-style: chrX-154353628-G-A. GRCh37 (hg19) VCF-style: chrX-153581996-G-A.
Other names: c.5762C>T, p.Pro1921Leu (NM_001456.4); c.5786C>T (NM_001110556.1); short protein forms P1929L, P1921L.
Identifiers: ClinVar variation 570943 (VCV000570943.18), dbSNP rs782359458, ClinGen allele CA10560228.